The following is an entry in ClinVar:

NM_014339.7(IL17RA):c.2242C>T (p.Leu748Phe)

Gene: IL17RA (interleukin 17 receptor A; plus strand). Cytogenetic location: 22q11.1.
Variant type: single nucleotide variant.
Coding change: c.2242C>T on transcript NM_014339.7 (MANE Select); coding-DNA position 2242, C replaced by T.
Protein change: p.Leu748Phe; replaces leucine 748 with phenylalanine.
Molecular consequence: missense variant.
Genome position (GRCh38, 1-based): chr22:17,109,461, C>T. VCF-style: chr22-17109461-C-T. GRCh37 (hg19) VCF-style: chr22-17590351-C-T.
Other names: c.2140C>T, p.Leu714Phe (NM_001289905.2); short protein forms L748F, L714F.
Identifiers: ClinVar variation 962492 (VCV000962492.11), dbSNP rs1444953023, ClinGen allele CA410221465.

ClinVar aggregate classification (germline): Uncertain significance. Review status: criteria provided, multiple submitters, no conflicts (2 of 4 stars). 3 submissions from 3 submitters: Uncertain significance (3). Last evaluated 2024-06-21.

Conditions:
Immunodeficiency 51 (IMD51). Also called: CANDIDIASIS, FAMILIAL, 5. Identifiers: Orphanet 1334, MedGen C4310803, MONDO:0013500, OMIM 613953.

Allele frequency attached by ClinVar (database versions not stated): gnomAD exomes 0.00001; TOPMed 0.00001.
gnomAD v4.1: 12 of 1,613,100 alleles (0.00074%); highest among the groups gnomAD compares: Admixed American, 0.005%; no homozygotes.

Submissions (3):

Labcorp Genetics (formerly Invitae), Labcorp
Classification: Uncertain significance for Immunodeficiency 51. Last evaluated: 2024-06-21. Review status: criteria provided, single submitter. Criteria: Invitae Variant Classification Sherloc (09022015). Collection method: clinical testing. Allele origin: germline.
Comment: This sequence change replaces leucine, which is neutral and non-polar, with phenylalanine, which is neutral and non-polar, at codon 748 of the IL17RA protein (p.Leu748Phe). This variant is present in population databases (no rsID available, gnomAD 0.006%). This variant has not been reported in the literature in individuals affected with IL17RA-related conditions. ClinVar contains an entry for this variant (Variation ID: 962492). Advanced modeling of protein sequence and biophysical properties (such as structural, functional, and spatial information, amino acid conservation, physicochemical variation, residue mobility, and thermodynamic stability) has been performed at Invitae for this missense variant, however the output from this modeling did not meet the statistical confidence thresholds required to predict the impact of this variant on IL17RA protein function. In summary, the available evidence is currently insufficient to determine the role of this variant in disease. Therefore, it has been classified as a Variant of Uncertain Significance.

Blueprint Genetics
Classification: Uncertain significance. Last evaluated: 2024-05-31. Review status: criteria provided, single submitter. Criteria: ACMG Guidelines, 2015. Collection method: clinical testing. Allele origin: germline.

GeneDx
Classification: Uncertain significance. Last evaluated: 2019-05-17. Review status: criteria provided, single submitter. Criteria: GeneDx Variant Classification Process June 2021. Collection method: clinical testing. Allele origin: germline. Affected: yes.
Comment: In silico analysis, which includes protein predictors and evolutionary conservation, supports that this variant does not alter protein structure/function; Has not been previously published as pathogenic or benign to our knowledge; Variants in candidate genes are classified as variants of uncertain significance in accordance with ACMG guidelines (Richards et al., 2015)